The following is an entry in ClinVar:

ClinVar aggregate classification (germline): Conflicting classifications of pathogenicity. Review status: criteria provided, conflicting classifications (1 of 4 stars). 2 submissions from 2 submitters: Uncertain significance (1); Likely benign (1). Last evaluated 2026-07-17.

Conditions:
PI4KA-related disorder. Also called: PI4KA-related disorders; PI4KA-related condition. Identifiers: MedGen CN378147, MONDO:1040012.
Polymicrogyria, perisylvian, with cerebellar hypoplasia and arthrogryposis (NEDSPLB). Identifiers: MedGen C4225295, MONDO:0014679, OMIM 616531.

Allele frequency attached by ClinVar (database versions not stated): 1000 Genomes Project 30x 0.00031; ExAC 0.00056; gnomAD exomes 0.00060 and 0.00027; TOPMed 0.00061; gnomAD 0.00016 and 0.00019; 1000 Genomes Project 0.00020.

Submissions (2):

PreventionGenetics, part of Exact Sciences
Classification: Likely benign for PI4KA-related condition. Last evaluated: 2026-07-17. Review status: criteria provided, single submitter. Criteria: ACMG Guidelines, 2015. Collection method: clinical testing. Allele origin: germline.
Comment: This variant is classified as likely benign based on ACMG/AMP sequence variant interpretation guidelines (Richards et al. 2015 PMID: 25741868, with internal and published modifications).

Baylor Genetics
Classification: Uncertain significance for Polymicrogyria, perisylvian, with cerebellar hypoplasia and arthrogryposis. Last evaluated: 2019-03-28. Review status: criteria provided, single submitter. Criteria: ACMG Guidelines, 2015. Collection method: clinical testing. Allele origin: paternal. Affected: yes.
Comment: This variant was determined to be of uncertain significance according to ACMG Guidelines, 2015 [PMID:25741868].

NM_058004.4(PI4KA):c.501G>T (p.Met167Ile)

Gene: PI4KA (phosphatidylinositol 4-kinase alpha; minus strand). Cytogenetic location: 22q11.21.
Variant type: single nucleotide variant.
Coding change: c.501G>T on transcript NM_058004.4 (MANE Select); coding-DNA position 501, G replaced by T.
Protein change: p.Met167Ile; replaces methionine 167 with isoleucine.
Molecular consequence: missense variant.
Genome position (GRCh38, 1-based): chr22:20,820,567, C>A on the plus strand (G>T on the coding strand, the complement: PI4KA is on the minus strand). VCF-style: chr22-20820567-C-A. GRCh37 (hg19) VCF-style: chr22-21174855-C-A.
Other names: c.501G>T, p.Met167Ile (NM_001362862.2, NM_001362863.2); short protein forms M167I.
Identifiers: ClinVar variation 1030111 (VCV001030111.2), dbSNP rs185657767, ClinGen allele CA10116787.